The following is an entry in ClinVar:

ClinVar aggregate classification (germline): Uncertain significance (1 of 4 stars; one submission).

gnomAD v4.1: 1 of 1,609,550 alleles (0.000062%); highest among the groups gnomAD compares: African/African-American, 0.0013%; no homozygotes.

Submission:

GeneDx
Classification: Uncertain significance. Last evaluated: 2025-07-19. Review status: criteria provided, single submitter. Criteria: GeneDx Variant Classification Process June 2021. Collection method: clinical testing. Allele origin: germline. Affected: yes.
Comment: Not observed at significant frequency in large population cohorts (gnomAD); In silico analysis suggests that this missense variant does not alter protein structure/function; Has not been previously published as pathogenic or benign to our knowledge

NM_001277115.2(DNAH11):c.268C>T (p.Leu90Phe)

Gene: DNAH11 (dynein axonemal heavy chain 11; plus strand). Cytogenetic location: 7p15.3.
Variant type: single nucleotide variant.
Coding change: c.268C>T on transcript NM_001277115.2 (MANE Select); coding-DNA position 268, C replaced by T.
Protein change: p.Leu90Phe; replaces leucine 90 with phenylalanine.
Molecular consequence: missense variant.
Genome position (GRCh38, 1-based): chr7:21,543,513, C>T. VCF-style: chr7-21543513-C-T. GRCh37 (hg19) VCF-style: chr7-21583131-C-T.
Other names: short protein forms L90F.
Identifiers: ClinVar variation 4686915 (VCV004686915.1).